The following is an entry in ClinVar:

NM_022369.4(STRA6):c.267-1G>T

Gene: STRA6 (signaling receptor and transporter of retinol STRA6; minus strand). Cytogenetic location: 15q24.1.
Variant type: single nucleotide variant.
Coding change: c.267-1G>T on transcript NM_022369.4 (MANE Select); the canonical splice acceptor site of the intron before coding-DNA position 267, G replaced by T.
Molecular consequence: splice acceptor variant. On other transcripts: intron variant (1).
Genome position (GRCh38, 1-based): chr15:74,196,148, C>A on the plus strand (G>T on the coding strand, the complement: STRA6 is on the minus strand). VCF-style: chr15-74196148-C-A. GRCh37 (hg19) VCF-style: chr15-74488489-C-A.
Other names: c.378-1G>T (NM_001199040.2); c.267-28G>T (NM_001142619.2); c.267-1G>T (NM_001142617.2, NM_001142618.2, NM_001142620.2); c.312-1G>T (NM_001199041.2); c.384-1G>T (NM_001199042.2).
Identifiers: ClinVar variation 1970873 (VCV001970873.6), dbSNP rs773297007, ClinGen allele CA7655042.
Genomic context (GRCh38, chr15:74,196,148, plus strand): 5'-ACCATGAAAACAGCAGCAGGCACTGCCCGGGGCCTGTCCCCAGCCAAGAAATCCACAGGG[C>A]TAGCACAGAGGCAAGGACAGGGCAGGAGGGAGTTGCTCAGCCCCTGCACCCCCATTACCT-3'

ClinVar aggregate classification (germline): Pathogenic/Likely pathogenic. Review status: criteria provided, multiple submitters, no conflicts (2 of 4 stars). 2 submissions from 2 submitters: Pathogenic (1); Likely pathogenic (1). Last evaluated 2025-04-23.

Conditions:
Microphthalmia, syndromic 9. Also called: PULMONARY AGENESIS, MICROPHTHALMIA, AND DIAPHRAGMATIC DEFECT; SPEAR SYNDROME; Matthew-Wood syndrome; ANOPHTHALMIA, CLINICAL, WITH MILD FACIAL DYSMORPHISM AND VARIABLE MALFORMATIONS OF THE LUNG, HEART, AND DIAPHRAGM; ANOPHTHALMIA/MICROPHTHALMIA AND PULMONARY HYPOPLASIA. Identifiers: Orphanet 2470, MedGen C1832661, MONDO:0011010, OMIM 601186.

Allele frequency attached by ClinVar (database versions not stated): TOPMed below 0.00001; ExAC 0.00001; gnomAD exomes 0.00001.
gnomAD v4.1: 23 of 1,613,706 alleles (0.0014%); highest among the groups gnomAD compares: Admixed American, 0.005%; no homozygotes.

Submissions (2):

GeneDx
Classification: Likely pathogenic. Last evaluated: 2025-04-23. Review status: criteria provided, single submitter. Criteria: GeneDx Variant Classification Process June 2021. Collection method: clinical testing. Allele origin: germline. Affected: yes.
Comment: Canonical splice site variant predicted to result in a null allele in a gene for which loss of function is a known mechanism of disease; Has not been previously published as pathogenic or benign to our knowledge

Labcorp Genetics (formerly Invitae), Labcorp
Classification: Pathogenic for Microphthalmia, syndromic 9. Last evaluated: 2022-03-15. Review status: criteria provided, single submitter. Criteria: Invitae Variant Classification Sherloc (09022015). Collection method: clinical testing. Allele origin: germline.
Comment: This variant is present in population databases (rs773297007, gnomAD 0.006%). Disruption of this splice site has been observed in individual(s) with clinical features of microphthalmia (Invitae). In at least one individual the data is consistent with being in trans (on the opposite chromosome) from a pathogenic variant. Algorithms developed to predict the effect of sequence changes on RNA splicing suggest that this variant may disrupt the consensus splice site. For these reasons, this variant has been classified as Pathogenic. This sequence change affects an acceptor splice site in intron 4 of the STRA6 gene. It is expected to disrupt RNA splicing. Variants that disrupt the donor or acceptor splice site typically lead to a loss of protein function (PMID: 16199547), and loss-of-function variants in STRA6 are known to be pathogenic (PMID: 17273977, 19309693).

Literature cited by the submitters: PubMed 16199547 (cited by Labcorp Genetics (formerly Invitae), Labcorp); PubMed 17273977 (cited by Labcorp Genetics (formerly Invitae), Labcorp); PubMed 19309693 (cited by Labcorp Genetics (formerly Invitae), Labcorp).